The following is an entry in ClinVar:

NM_138691.3(TMC1):c.-329C>A

Gene: TMC1 (transmembrane channel like 1; plus strand). Cytogenetic location: 9q21.13.
Variant type: single nucleotide variant.
Coding change: c.-329C>A on transcript NM_138691.3 (MANE Select); 329 bases upstream of the start codon, C replaced by A.
Molecular consequence: 5 prime UTR variant.
Genome position (GRCh38, 1-based): chr9:72,578,000, C>A. VCF-style: chr9-72578000-C-A. GRCh37 (hg19) VCF-style: chr9-75192916-C-A.
Identifiers: ClinVar variation 367247 (VCV000367247.6), dbSNP rs7856724, ClinGen allele CA10627517.

ClinVar aggregate classification (germline): Benign. Review status: criteria provided, multiple submitters, no conflicts (2 of 4 stars). 3 submissions from 2 submitters: Benign (3). Last evaluated 2018-01-13.

Conditions:
Autosomal recessive nonsyndromic hearing loss 7. Also called: DEAFNESS, AUTOSOMAL RECESSIVE 11. Identifiers: Orphanet 90636, MedGen C1832978, MONDO:0010967, OMIM 600974.
Autosomal dominant nonsyndromic hearing loss 36. Identifiers: Orphanet 90635, MedGen C1847626, MONDO:0011708, OMIM 606705.

Allele frequency attached by ClinVar (database versions not stated): 1000 Genomes Project 0.11282; 1000 Genomes Project 30x 0.11665; gnomAD exomes 0.12745; gnomAD 0.13452 and 0.13978; TOPMed 0.14316.
gnomAD v4.1: 20,409 of 152,120 alleles (13%); highest among the groups gnomAD compares: African/African-American, 25%; 1,877 homozygotes.

Submissions (3):

Illumina Laboratory Services, Illumina
Classification: Benign for Autosomal recessive nonsyndromic hearing loss 7. Last evaluated: 2018-01-13. Review status: criteria provided, single submitter. Criteria: ICSL Variant Classification Criteria 13 December 2019. Collection method: clinical testing. Allele origin: germline.
Comment: This variant was observed in the ICSL laboratory as part of a predisposition screen in an ostensibly healthy population. It had not been previously curated by ICSL or reported in the Human Gene Mutation Database (HGMD: prior to June 1st, 2018), and was therefore a candidate for classification through an automated scoring system. Utilizing variant allele frequency, disease prevalence and penetrance estimates, and inheritance mode, an automated score was calculated to assess if this variant is too frequent to cause the disease. Based on the score and internal cut-off values, a variant classified as benign is not then subjected to further curation. The score for this variant resulted in a classification of benign for this disease.

Illumina Laboratory Services, Illumina
Classification: Benign for Autosomal dominant nonsyndromic hearing loss 36. Last evaluated: 2018-01-13. Review status: criteria provided, single submitter. Criteria: ICSL Variant Classification Criteria 13 December 2019. Collection method: clinical testing. Allele origin: germline.
Comment: the same text as in the submission from Illumina Laboratory Services, Illumina above.

Breakthrough Genomics
Classification: Benign. Review status: criteria provided, single submitter. Criteria: ACMG Guidelines, 2015. Collection method: not provided. Allele origin: germline. Inheritance: Autosomal recessive inheritance. Affected: yes.